The following is an entry in ClinVar:

NM_000751.3(CHRND):c.236T>A (p.Ile79Lys)

Gene: CHRND (cholinergic receptor nicotinic delta subunit; plus strand). Cytogenetic location: 2q37.1.
Variant type: single nucleotide variant.
Coding change: c.236T>A on transcript NM_000751.3 (MANE Select); coding-DNA position 236, T replaced by A.
Protein change: p.Ile79Lys; replaces isoleucine 79 with lysine.
Molecular consequence: missense variant. On other transcripts: 5 prime UTR variant (2), intron variant (1).
Genome position (GRCh38, 1-based): chr2:232,527,438, T>A. VCF-style: chr2-232527438-T-A. GRCh37 (hg19) VCF-style: chr2-233392148-T-A.
Other names: I58K; c.-36T>A (NM_001311195.2, NM_001311196.2); c.198+764T>A (NM_001256657.2); short protein forms I79K.
Identifiers: ClinVar variation 18365 (VCV000018365.4), dbSNP rs121909509, ClinGen allele CA128064.
Genomic context (GRCh38, chr2:232,527,438, plus strand): 5'-ATGGCCCTACCGTCTAATTACAGAAAGAAGTTGAGGAGACCCTCACTACCAATGTGTGGA[T>A]AGAGCACGTAAGAATGCCCCTCCCAGCCGGGCGCAGTGGCTCATGCCTGTAATCCCAGCA-3'
Protein context (NP_000742.1, residues 69-89): VEETLTTNVW[Ile79Lys]EHGWTDNRLK

ClinVar aggregate classification (germline): Uncertain significance. Review status: criteria provided, single submitter (1 of 4 stars). 2 submissions from 2 submitters: Uncertain significance (1). 1 of the submissions does not count toward it. Last evaluated 2025-10-02.

Conditions:
Congenital myasthenic syndrome 3B (CMS3B). Also called: Myasthenic syndrome, congenital, 3B, fast-channel. Identifiers: Orphanet 590, MedGen C4225371, MONDO:0014584, OMIM 616322.
Lethal multiple pterygium syndrome (LMPS). Identifiers: Orphanet 33108, MedGen C1854678, MONDO:0009668, OMIM 253290.

Allele frequency attached by ClinVar (database versions not stated): gnomAD 0.00001.
gnomAD v4.1: 8 of 1,613,168 alleles (0.0005%); highest among the groups gnomAD compares: Non-Finnish European, 0.00051%; no homozygotes.

Submissions (2):

Labcorp Genetics (formerly Invitae), Labcorp
Classification: Uncertain significance for Lethal multiple pterygium syndrome. Last evaluated: 2025-10-02. Review status: criteria provided, single submitter. Criteria: Invitae Variant Classification Sherloc (09022015). Collection method: clinical testing. Allele origin: germline.
Comment: This sequence change replaces isoleucine, which is neutral and non-polar, with lysine, which is basic and polar, at codon 79 of the CHRND protein (p.Ile79Lys). This variant is present in population databases (rs121909509, gnomAD 0.002%). This missense change has been observed in individual(s) with clinical features of autosomal recessive CHRND-related conditions (PMID: 18398509, 29399782). This variant is also known as I58K. ClinVar contains an entry for this variant (Variation ID: 18365). Invitae Evidence Modeling of protein sequence and biophysical properties (such as structural, functional, and spatial information, amino acid conservation, physicochemical variation, residue mobility, and thermodynamic stability) has been performed for this missense variant. However, the output from this modeling did not meet the statistical confidence thresholds required to predict the impact of this variant on CHRND protein function. Experimental studies have shown that this missense change affects CHRND function (PMID: 18398509). In summary, the available evidence is currently insufficient to determine the role of this variant in disease. Therefore, it has been classified as a Variant of Uncertain Significance.

OMIM
Classification: Pathogenic for MYASTHENIC SYNDROME, CONGENITAL, 3B, FAST-CHANNEL. Last evaluated: 2008-05-01. Review status: no assertion criteria provided. Collection method: literature only. Allele origin: germline. Not counted in ClinVar's aggregate classification.

Literature cited by the submitters: PubMed 18398509 (cited by Labcorp Genetics (formerly Invitae), Labcorp and OMIM); PubMed 29399782 (cited by Labcorp Genetics (formerly Invitae), Labcorp).